The following is an entry in ClinVar:

NM_014780.5(CUL7):c.4915G>A (p.Asp1639Asn)

Gene: CUL7 (cullin 7; minus strand). Cytogenetic location: 6p21.1.
Variant type: single nucleotide variant.
Coding change: c.4915G>A on transcript NM_014780.5 (MANE Select); coding-DNA position 4915, G replaced by A.
Protein change: p.Asp1639Asn; replaces aspartic acid 1639 with asparagine.
Molecular consequence: missense variant.
Genome position (GRCh38, 1-based): chr6:43,037,870, C>T on the plus strand (G>A on the coding strand, the complement: CUL7 is on the minus strand). VCF-style: chr6-43037870-C-T. GRCh37 (hg19) VCF-style: chr6-43005608-C-T.
Other names: c.5011G>A, p.Asp1671Asn (NM_001168370.2, NM_001374872.1); c.4927G>A, p.Asp1643Asn (NM_001374873.1); c.4912G>A, p.Asp1638Asn (NM_001374874.1); c.4915G>A (NM_014780.4); short protein forms D1638N, D1639N, D1643N, D1671N.
Identifiers: ClinVar variation 3771158 (VCV003771158.14).

ClinVar aggregate classification (germline): Uncertain significance. Review status: criteria provided, multiple submitters, no conflicts (2 of 4 stars). 3 submissions from 3 submitters: Uncertain significance (3). Last evaluated 2025-04-18.

Conditions:
Inborn genetic diseases. Identifiers: MedGen C0950123, MeSH D030342.

gnomAD v4.1: 39 of 1,613,614 alleles (0.0024%); highest among the groups gnomAD compares: Admixed American, 0.005%; no homozygotes.

Submissions (3):

Ambry Genetics
Classification: Uncertain significance for Inborn genetic diseases. Last evaluated: 2025-04-18. Review status: criteria provided, single submitter. Criteria: Ambry Variant Classification Scheme 2023. Collection method: clinical testing. Allele origin: germline.

CeGaT Center for Human Genetics Tuebingen
Classification: Uncertain significance. Last evaluated: 2025-01-01. Review status: criteria provided, single submitter. Criteria: CeGaT Center For Human Genetics Tuebingen Variant Classification Criteria Version 2. Collection method: clinical testing. Allele origin: germline. Affected: yes. Observed: 1 variant allele.
Comment: CUL7: PM2, BP4

Blueprint Genetics
Classification: Uncertain significance. Last evaluated: 2018-10-28. Review status: criteria provided, single submitter. Criteria: ACMG Guidelines, 2015. Collection method: clinical testing. Allele origin: germline.